The following is an entry in ClinVar:

ClinVar aggregate classification (germline): Uncertain significance (0 of 4 stars; one submission).

Conditions:
TUB-related disorder. Also called: TUB-related condition.

gnomAD v4.1: 2 of 1,614,086 alleles (0.00012%); highest among the groups gnomAD compares: Admixed American, 0.0017%; no homozygotes.

Submission:

PreventionGenetics, part of Exact Sciences
Classification: Uncertain significance for TUB-related condition. Last evaluated: 2024-03-05. Review status: no assertion criteria provided. Collection method: clinical testing. Allele origin: germline.
Comment: The TUB c.1050G>A variant is not predicted to result in an amino acid change (p.=). This variant is predicted to alter splicing based on available splicing prediction programs (Alamut Visual Plus v1.6.1; SpliceAI, Jaganathan et al. 2019. PubMed ID: 30661751). However, the use of computer prediction programs is not equivalent to functional evidence. To our knowledge, this variant has not been reported in the literature or in a large population database, indicating this variant is rare. At this time, the clinical significance of this variant is uncertain due to the absence of conclusive functional and genetic evidence.

NM_177972.3(TUB):c.885G>A (p.Lys295=)

Genes: RIC3 (RIC3 acetylcholine receptor chaperone; minus strand), TUB (TUB bipartite transcription factor; plus strand). Cytogenetic location: 11p15.4.
Variant type: single nucleotide variant.
Coding change: c.885G>A on transcript NM_177972.3 (MANE Select); coding-DNA position 885, G replaced by A.
Protein change: p.Lys295=; no amino-acid change (lysine 295 retained).
Molecular consequence: synonymous variant.
Genome position (GRCh38, 1-based): chr11:8,097,425, G>A. VCF-style: chr11-8097425-G-A. GRCh37 (hg19) VCF-style: chr11-8118972-G-A.
Other names: c.1050G>A, p.Lys350= (NM_003320.5).
Identifiers: ClinVar variation 3354563 (VCV003354563.1).
Genomic context (GRCh38, chr11:8,097,425, plus strand): 5'-GATGGACCGGGGCATGTACCCCACCTACTTTCTGCACCTGGACCGTGAGGATGGGAAGAA[G>A]GTAAGGTTGGTCTGGGCATGTTATCATCTAGGCTTTACAGCCCTTTGAAATCCTAGGGGC-3'
Protein context (NP_813977.1, residues 285-305): FLHLDREDGK[Lys295=]VFLLAGRKRK